The following is an entry in ClinVar:

ClinVar aggregate classification (germline): Likely benign (0 of 4 stars; one submission).

Conditions:
LENG8-related disorder. Also called: LENG8-related condition.

Allele frequency attached by ClinVar (database versions not stated): gnomAD exomes 0.00015; ExAC 0.00042; 1000 Genomes Project 0.00100; 1000 Genomes Project 30x 0.00109; gnomAD 0.00135; ESP Exome Variant Server 0.00138; TOPMed 0.00155.

Submission:

PreventionGenetics, part of Exact Sciences
Classification: Likely benign for LENG8-related condition. Last evaluated: 2019-11-11. Review status: no assertion criteria provided. Collection method: clinical testing. Allele origin: germline.
Comment: This variant is classified as likely benign based on ACMG/AMP sequence variant interpretation guidelines (Richards et al. 2015 PMID: 25741868, with internal and published modifications).

NM_052925.4(LENG8):c.102C>T (p.His34=)

Gene: LENG8 (leukocyte receptor cluster member 8; plus strand). Cytogenetic location: 19q13.42.
Variant type: single nucleotide variant.
Coding change: c.102C>T on transcript NM_052925.4 (MANE Select); coding-DNA position 102, C replaced by T.
Protein change: p.His34=; no amino-acid change (histidine 34 retained).
Molecular consequence: synonymous variant.
Genome position (GRCh38, 1-based): chr19:54,452,156, C>T. VCF-style: chr19-54452156-C-T. GRCh37 (hg19) VCF-style: chr19-54963333-C-T.
Other names: c.102C>T, p.His34= (NM_001375638.1, NM_001375640.1, NM_001375641.1 and 1 more transcripts); c.48C>T, p.His16= (NM_001375639.1).
Identifiers: ClinVar variation 3045293 (VCV003045293.2), dbSNP rs111838811, ClinGen allele CA309654419.
Genomic context (GRCh38, chr19:54,452,156, plus strand): 5'-TTCTCAGTACAGCATGGTGGCTGGGGCAGGCCGAGAGAATGGCATGGAGACGCCGATGCA[C>T]GAGAACCCGGAGTGGGAGAAGGCCCGTCAGGCCCTGGCCAGCATCAGCAAGTCAGGAGCT-3'
Protein context (NP_443157.1, residues 24-44): GRENGMETPM[His34=]ENPEWEKARQ